The following is an entry in ClinVar:

NM_001267550.2(TTN):c.86392A>T (p.Arg28798Ter)

Genes: TTN (titin; minus strand), TTN-AS1 (TTN antisense RNA 1; plus strand). Cytogenetic location: 2q31.2.
Variant type: single nucleotide variant.
Coding change: c.86392A>T on transcript NM_001267550.2 (MANE Select); coding-DNA position 86392, A replaced by T.
Protein change: p.Arg28798Ter; replaces arginine 28798 with a stop codon.
Molecular consequence: nonsense.
Genome position (GRCh38, 1-based): chr2:178,559,740, T>A on the plus strand (A>T on the coding strand, the complement: TTN is on the minus strand). VCF-style: chr2-178559740-T-A. GRCh37 (hg19) VCF-style: chr2-179424467-T-A.
Other names: c.81469A>T, p.Arg27157Ter (NM_001256850.1); c.59197A>T, p.Arg19733Ter (NM_003319.4); c.78688A>T, p.Arg26230Ter (NM_133378.4); c.59572A>T, p.Arg19858Ter (NM_133432.3); c.59773A>T, p.Arg19925Ter (NM_133437.4); short protein forms R19858*, R26230*, R28798*, R19733*, R27157*, R19925*.
Identifiers: ClinVar variation 2023393 (VCV002023393.4), dbSNP rs748375797, ClinGen allele CA349544093.

ClinVar aggregate classification (germline): Likely pathogenic (1 of 4 stars; one submission).

Conditions:
Autosomal recessive limb-girdle muscular dystrophy type 2J (LGMDR10). Also called: Limb-girdle muscular dystrophy, type 2J; MUSCULAR DYSTROPHY, LIMB-GIRDLE, AUTOSOMAL RECESSIVE 10. Identifiers: Orphanet 140922, MedGen C1837342, MONDO:0012127, OMIM 608807.
Dilated cardiomyopathy 1G (CMD1G). Identifiers: Orphanet 154, MedGen C1858763, MONDO:0011400, OMIM 604145.

Submission:

Labcorp Genetics (formerly Invitae), Labcorp
Classification: Likely pathogenic for Dilated cardiomyopathy 1G; Autosomal recessive limb-girdle muscular dystrophy type 2J. Last evaluated: 2022-08-10. Review status: criteria provided, single submitter. Criteria: Invitae Variant Classification Sherloc (09022015). Collection method: clinical testing. Allele origin: germline.
Comment: This sequence change creates a premature translational stop signal (p.Arg28798*) in the TTN gene. While this is not anticipated to result in nonsense mediated decay, it is expected to create a truncated TTN protein. This variant is not present in population databases (gnomAD no frequency). This variant has not been reported in the literature in individuals affected with TTN-related conditions. This variant is located in the A band of TTN (PMID: 25589632). Truncating variants in this region are significantly overrepresented in patients affected with dilated cardiomyopathy (PMID: 25589632). Truncating variants in this region have also been reported in individuals affected with autosomal recessive centronuclear myopathy (PMID: 23975875). In summary, the currently available evidence indicates that the variant is pathogenic, but additional data are needed to prove that conclusively. Therefore, this variant has been classified as Likely Pathogenic.

Literature cited by the submitters: PubMed 25589632; PubMed 23975875.